The following is an entry in ClinVar:

ClinVar aggregate classification (germline): Uncertain significance (1 of 4 stars; one submission).

Allele frequency attached by ClinVar (database versions not stated): gnomAD 0.00004 and 0.00005; gnomAD exomes 0.00004; TOPMed 0.00004; ESP Exome Variant Server 0.00008; 1000 Genomes Project 30x 0.00016; 1000 Genomes Project 0.00020.
gnomAD v4.1: 69 of 1,610,970 alleles (0.0043%); highest among the groups gnomAD compares: Non-Finnish European, 0.0052%; no homozygotes.

Submission:

Labcorp Genetics (formerly Invitae), Labcorp
Classification: Uncertain significance. Last evaluated: 2024-11-18. Review status: criteria provided, single submitter. Criteria: Invitae Variant Classification Sherloc (09022015). Collection method: clinical testing. Allele origin: germline.
Comment: This sequence change replaces serine, which is neutral and polar, with leucine, which is neutral and non-polar, at codon 912 of the TONSL protein (p.Ser912Leu). This variant is present in population databases (rs374183053, gnomAD 0.009%). This variant has not been reported in the literature in individuals affected with TONSL-related conditions. ClinVar contains an entry for this variant (Variation ID: 1377295). Invitae Evidence Modeling of protein sequence and biophysical properties (such as structural, functional, and spatial information, amino acid conservation, physicochemical variation, residue mobility, and thermodynamic stability) indicates that this missense variant is not expected to disrupt TONSL protein function with a negative predictive value of 80%. In summary, the available evidence is currently insufficient to determine the role of this variant in disease. Therefore, it has been classified as a Variant of Uncertain Significance.

NM_013432.5(TONSL):c.2735C>T (p.Ser912Leu)

Genes: TONSL (tonsoku like, DNA repair protein; minus strand), TONSL-AS1 (TONSL antisense RNA 1; plus strand). Cytogenetic location: 8q24.3.
Variant type: single nucleotide variant.
Coding change: c.2735C>T on transcript NM_013432.5 (MANE Select); coding-DNA position 2735, C replaced by T.
Protein change: p.Ser912Leu; replaces serine 912 with leucine.
Molecular consequence: missense variant.
Genome position (GRCh38, 1-based): chr8:144,435,698, G>A on the plus strand (C>T on the coding strand, the complement: TONSL is on the minus strand). VCF-style: chr8-144435698-G-A. GRCh37 (hg19) VCF-style: chr8-145661081-G-A.
Other names: short protein forms S912L.
Identifiers: ClinVar variation 1377295 (VCV001377295.7), dbSNP rs374183053, ClinGen allele CA187666909.
Genomic context (GRCh38, chr8:144,435,698, plus strand): 5'-CTCCAGGTCTGCATACCCACCAAGGGCTGGCCTGCCGCAGAGCTGTCCCCACTGGGCTCT[G>A]AGACCCTGGGGGTGCTGGGGCTCCCTGGAGGTTCTGAAGCCAGGCTGCTGGGCCCTGCGT-3'
Protein context (NP_038460.4, residues 902-922): PPGSPSTPRV[Ser912Leu]EPSGDSSAAG